The following is an entry in ClinVar:

ClinVar aggregate classification (germline): Uncertain significance (1 of 4 stars; one submission).

Allele frequency attached by ClinVar (database versions not stated): gnomAD exomes below 0.00001; TOPMed 0.00001.
gnomAD v4.1: 2 of 1,613,360 alleles (0.00012%); highest among the groups gnomAD compares: Non-Finnish European, 0.00017%; no homozygotes.

Submission:

Labcorp Genetics (formerly Invitae), Labcorp
Classification: Uncertain significance. Last evaluated: 2023-08-17. Review status: criteria provided, single submitter. Criteria: Invitae Variant Classification Sherloc (09022015). Collection method: clinical testing. Allele origin: germline.
Comment: In summary, the available evidence is currently insufficient to determine the role of this variant in disease. Therefore, it has been classified as a Variant of Uncertain Significance. An algorithm developed to predict the effect of missense changes on protein structure and function (PolyPhen-2) suggests that this variant is likely to be tolerated. This variant has not been reported in the literature in individuals affected with COL4A1-related conditions. This variant is not present in population databases (gnomAD no frequency). This sequence change replaces proline, which is neutral and non-polar, with serine, which is neutral and polar, at codon 626 of the COL4A1 protein (p.Pro626Ser).

NM_001845.6(COL4A1):c.1876C>T (p.Pro626Ser)

Gene: COL4A1 (collagen type IV alpha 1 chain; minus strand). Cytogenetic location: 13q34.
Variant type: single nucleotide variant.
Coding change: c.1876C>T on transcript NM_001845.6 (MANE Select); coding-DNA position 1876, C replaced by T.
Protein change: p.Pro626Ser; replaces proline 626 with serine.
Molecular consequence: missense variant.
Genome position (GRCh38, 1-based): chr13:110,186,406, G>A on the plus strand (C>T on the coding strand, the complement: COL4A1 is on the minus strand). VCF-style: chr13-110186406-G-A. GRCh37 (hg19) VCF-style: chr13-110838753-G-A.
Other names: short protein forms P626S.
Identifiers: ClinVar variation 2742569 (VCV002742569.3), dbSNP rs1878405883, ClinGen allele CA388722556.
Genomic context (GRCh38, chr13:110,186,406, plus strand): 5'-TACAACTTCATGCTGCATCACGAGTTTCTCAGGCCTCACCTGGCAGGCCTGGGGATCCAG[G>A]GCCTCCAGGAAAGCCTGCTTGTCCTTTGTCACCAATGGGACCAGCAGGACCATATCCTGG-3'
Protein context (NP_001836.3, residues 616-636): DKGQAGFPGG[Pro626Ser]GSPGLPGPKG